The following is an entry in ClinVar:

NM_002599.5(PDE2A):c.1852-3C>T

Gene: PDE2A (phosphodiesterase 2A; minus strand). Cytogenetic location: 11q13.4.
Variant type: single nucleotide variant.
Coding change: c.1852-3C>T on transcript NM_002599.5 (MANE Select); 3 bases into the intron before coding-DNA position 1852, C replaced by T.
Molecular consequence: intron variant.
Genome position (GRCh38, 1-based): chr11:72,581,950, G>A on the plus strand (C>T on the coding strand, the complement: PDE2A is on the minus strand). VCF-style: chr11-72581950-G-A. GRCh37 (hg19) VCF-style: chr11-72292994-G-A.
Other names: c.1825-3C>T (NM_001146209.3); c.1831-3C>T (NM_001143839.4); c.1789-3C>T (NM_001243784.2).
Identifiers: ClinVar variation 5002512 (VCV005002512.1).

ClinVar aggregate classification (germline): Likely benign (1 of 4 stars; one submission).

Conditions:
PDE2A-related disorder. Also called: PDE2A-related condition.

gnomAD v4.1: 5 of 1,613,514 alleles (0.00031%); highest among the groups gnomAD compares: African/African-American, 0.0013%; no homozygotes.

Submission:

PreventionGenetics, part of Exact Sciences
Classification: Likely benign for PDE2A-related condition. Last evaluated: 2026-01-15. Review status: criteria provided, single submitter. Criteria: ACMG Guidelines, 2015. Collection method: clinical testing. Allele origin: germline.
Comment: This variant is classified as likely benign based on ACMG/AMP sequence variant interpretation guidelines (Richards et al. 2015 PMID: 25741868, with internal and published modifications).